The following is an entry in ClinVar:

ClinVar aggregate classification (germline): Likely benign (1 of 4 stars; one submission).

Submission:

CeGaT Center for Human Genetics Tuebingen
Classification: Likely benign. Last evaluated: 2025-03-01. Review status: criteria provided, single submitter. Criteria: CeGaT Center For Human Genetics Tuebingen Variant Classification Criteria Version 2. Collection method: clinical testing. Allele origin: germline. Affected: yes. Observed: 1 variant allele.
Comment: AHNAK2: BP4

NM_138420.4(AHNAK2):c.5090T>C (p.Met1697Thr)

Gene: AHNAK2 (AHNAK nucleoprotein 2; minus strand). Cytogenetic location: 14q32.33.
Variant type: single nucleotide variant.
Coding change: c.5090T>C on transcript NM_138420.4 (MANE Select); coding-DNA position 5090, T replaced by C.
Protein change: p.Met1697Thr; replaces methionine 1697 with threonine.
Molecular consequence: missense variant.
Genome position (GRCh38, 1-based): chr14:104,950,361, A>G on the plus strand (T>C on the coding strand, the complement: AHNAK2 is on the minus strand). VCF-style: chr14-104950361-A-G. GRCh37 (hg19) VCF-style: chr14-105416698-A-G.
Other names: c.4790T>C, p.Met1597Thr (NM_001350929.2); short protein forms M1597T, M1697T.
Identifiers: ClinVar variation 3777874 (VCV003777874.7).